The following is an entry in ClinVar:

NM_001288705.3(CSF1R):c.2746G>A (p.Glu916Lys)

Gene: CSF1R (colony stimulating factor 1 receptor; minus strand). Cytogenetic location: 5q32.
Variant type: single nucleotide variant.
Coding change: c.2746G>A on transcript NM_001288705.3 (MANE Select); coding-DNA position 2746, G replaced by A.
Protein change: p.Glu916Lys; replaces glutamic acid 916 with lysine.
Molecular consequence: missense variant. On other transcripts: non-coding transcript variant (2).
Genome position (GRCh38, 1-based): chr5:150,054,339, C>T on the plus strand (G>A on the coding strand, the complement: CSF1R is on the minus strand). VCF-style: chr5-150054339-C-T. GRCh37 (hg19) VCF-style: chr5-149433902-C-T.
Other names: c.2746G>A, p.Glu916Lys (NM_001349736.2, NM_001375320.1, NM_005211.4); c.2302G>A, p.Glu768Lys (NM_001375321.1); short protein forms E916K, E768K.
Identifiers: ClinVar variation 444667 (VCV000444667.59), dbSNP rs142435467, ClinGen allele CA3506368.

ClinVar aggregate classification (germline): Conflicting classifications of pathogenicity. Review status: criteria provided, conflicting classifications (1 of 4 stars). 10 submissions from 10 submitters: Uncertain significance (3); Benign (2); Likely benign (2). 3 of the submissions do not count toward it. Last evaluated 2026-05-06.

Conditions:
Inborn genetic diseases. Identifiers: MedGen C0950123, MeSH D030342.
Hereditary diffuse leukoencephalopathy with spheroids. Also called: LEUKOENCEPHALOPATHY, ADULT-ONSET, WITH AXONAL SPHEROIDS AND PIGMENTED GLIA. Identifiers: Orphanet 313808, MedGen C3711381, MONDO:0030796.
CSF1R-related disorder. Also called: CSF1R-related condition. Identifiers: MedGen CN379780, MONDO:0100632.

Allele frequency attached by ClinVar (database versions not stated): TOPMed 0.00029; gnomAD exomes 0.00033; ESP Exome Variant Server 0.00062.
gnomAD v4.1: 540 of 1,614,176 alleles (0.033%); highest among the groups gnomAD compares: Middle Eastern, 0.049%; no homozygotes.

Submissions (10):

PreventionGenetics, part of Exact Sciences
Classification: Uncertain significance for CSF1R-related condition. Last evaluated: 2026-05-06. Review status: criteria provided, single submitter. Criteria: ACMG Guidelines, 2015. Collection method: clinical testing. Allele origin: germline.
Comment: The CSF1R c.2746G>A variant is predicted to result in the amino acid substitution p.Glu916Lys. To our knowledge, this variant has not been reported in the literature. This variant is reported in 0.067% of alleles in individuals of European (Non-Finnish) descent in gnomAD. Although we suspect that this variant may be benign, at this time, the clinical significance of this variant is uncertain due to the absence of conclusive functional and genetic evidence.

Labcorp Genetics (formerly Invitae), Labcorp
Classification: Benign. Last evaluated: 2025-12-23. Review status: criteria provided, single submitter. Criteria: Invitae Variant Classification Sherloc (09022015). Collection method: clinical testing. Allele origin: germline.

CeGaT Center for Human Genetics Tuebingen
Classification: Likely benign. Last evaluated: 2025-06-01. Review status: criteria provided, single submitter. Criteria: CeGaT Center For Human Genetics Tuebingen Variant Classification Criteria Version 2. Collection method: clinical testing. Allele origin: germline. Affected: yes. Observed: 8 variant alleles.
Comment: CSF1R: BP4

Blueprint Genetics
Classification: Likely benign. Last evaluated: 2024-11-11. Review status: criteria provided, single submitter. Criteria: ACMG Guidelines, 2015. Collection method: clinical testing. Allele origin: germline.

Ambry Genetics
Classification: Uncertain significance for Inborn genetic diseases. Last evaluated: 2021-12-10. Review status: criteria provided, single submitter. Criteria: Ambry Variant Classification Scheme 2023. Collection method: clinical testing. Allele origin: germline.

GeneDx
Classification: Uncertain significance. Last evaluated: 2020-01-09. Review status: criteria provided, single submitter. Criteria: GeneDx Variant Classification Process June 2021. Collection method: clinical testing. Allele origin: germline. Affected: yes.
Comment: Identified in two Caucasian elderly control individuals in a study on adult-onset leukodystrophy genes in Alzheimer's disease (Sassi et al., 2018); In silico analysis, which includes protein predictors and evolutionary conservation, supports that this variant does not alter protein structure/function; This variant is associated with the following publications: (PMID: 29544907)

Illumina Laboratory Services, Illumina
Classification: Benign for Leukoencephalopathy, diffuse hereditary, with spheroids 1. Last evaluated: 2018-01-12. Review status: criteria provided, single submitter. Criteria: ICSL Variant Classification Criteria 13 December 2019. Collection method: clinical testing. Allele origin: germline.
Comment: This variant was observed in the ICSL laboratory as part of a predisposition screen in an ostensibly healthy population. It had not been previously curated by ICSL or reported in the Human Gene Mutation Database (HGMD: prior to June 1st, 2018), and was therefore a candidate for classification through an automated scoring system. Utilizing variant allele frequency, disease prevalence and penetrance estimates, and inheritance mode, an automated score was calculated to assess if this variant is too frequent to cause the disease. Based on the score and internal cut-off values, a variant classified as benign is not then subjected to further curation. The score for this variant resulted in a classification of benign for this disease.

Clinical Genetics DNA and cytogenetics Diagnostics Lab, Erasmus MC, Erasmus Medical Center
Classification: Likely benign. Review status: no assertion criteria provided. Collection method: clinical testing. Allele origin: germline. Affected: yes. Study: VKGL Data-share Consensus. Not counted in ClinVar's aggregate classification.

Department of Pathology and Laboratory Medicine, Sinai Health System
Classification: Uncertain significance. Review status: no assertion criteria provided. Collection method: clinical testing. Allele origin: unknown. Affected: yes. Study: The Canadian Open Genetics Repository (COGR). Not counted in ClinVar's aggregate classification.
Comment: The CSF1R p.Glu916Lys variant was not identified in the literature but was identified in dbSNP (ID: rs142435467), ClinVar (classified as uncertain significance by CeGaT Praxis fuer Humangenetik Tuebingen) and LOVD 3.0 (classified as likely benign by VKGL data sharing initiative Nederland). The variant was identified in control databases in 91 of 282020 chromosomes at a frequency of 0.0003227 (Genome Aggregation Database March 6, 2019, v2.1.1). The variant was observed in the following populations: European (non-Finnish) in 86 of 128448 chromosomes (freq: 0.00067), Other in 1 of 7212 chromosomes (freq: 0.000139), Latino in 3 of 35412 chromosomes (freq: 0.000085) and South Asian in 1 of 30608 chromosomes (freq: 0.000033), but was not observed in the African, Ashkenazi Jewish, East Asian, or European (Finnish) populations. The p.Glu916 residue is not conserved in mammals and computational analyses (PolyPhen-2, SIFT, AlignGVGD, BLOSUM, MutationTaster) do not suggest a high likelihood of impact to the protein; however, this information is not predictive enough to rule out pathogenicity. The variant occurs outside of the splicing consensus sequence and in silico or computational prediction software programs (SpliceSiteFinder, MaxEntScan, NNSPLICE, GeneSplicer) do not predict a difference in splicing. In summary, based on the above information the clinical significance of this variant cannot be determined with certainty at this time. This variant is classified as a variant of uncertain significance.

Genome Diagnostics Laboratory, Amsterdam University Medical Center
Classification: Likely benign. Review status: no assertion criteria provided. Collection method: clinical testing. Allele origin: germline. Affected: yes. Study: VKGL Data-share Consensus. Not counted in ClinVar's aggregate classification.